The following is an entry in ClinVar:

ClinVar aggregate classification (germline): Uncertain significance. Review status: criteria provided, multiple submitters, no conflicts (2 of 4 stars). 2 submissions from 2 submitters: Uncertain significance (2). Last evaluated 2023-12-19.

Conditions:
Familial hypocalciuric hypercalcemia (FHH). Also called: Familial benign hypercalcemia. Identifiers: Orphanet 405, MedGen C1809471, MONDO:0018458.
Autosomal dominant hypocalcemia 1 (HYPOC1). Also called: HYPOCALCEMIA, FAMILIAL. Identifiers: MedGen C3715128, MONDO:0011013, OMIM 601198.
Nephrolithiasis/nephrocalcinosis. Identifiers: MedGen CN580796.

Allele frequency attached by ClinVar (database versions not stated): gnomAD exomes 0.00001.
gnomAD v4.1: 10 of 1,614,240 alleles (0.00062%); highest among the groups gnomAD compares: Non-Finnish European, 0.00076%; no homozygotes.

Submissions (2):

Labcorp Genetics (formerly Invitae), Labcorp
Classification: Uncertain significance for Familial hypocalciuric hypercalcemia; Autosomal dominant hypocalcemia 1. Last evaluated: 2023-12-19. Review status: criteria provided, single submitter. Criteria: Invitae Variant Classification Sherloc (09022015). Collection method: clinical testing. Allele origin: germline.
Comment: This sequence change replaces phenylalanine, which is neutral and non-polar, with leucine, which is neutral and non-polar, at codon 204 of the CASR protein (p.Phe204Leu). This variant is not present in population databases (gnomAD no frequency). This variant has not been reported in the literature in individuals affected with CASR-related conditions. ClinVar contains an entry for this variant (Variation ID: 572669). An algorithm developed to predict the effect of missense changes on protein structure and function (PolyPhen-2) suggests that this variant is likely to be disruptive. In summary, the available evidence is currently insufficient to determine the role of this variant in disease. Therefore, it has been classified as a Variant of Uncertain Significance.

Ambry Genetics
Classification: Uncertain significance for Nephrolithiasis/nephrocalcinosis. Last evaluated: 2019-12-13. Review status: criteria provided, single submitter. Criteria: Ambry Variant Classification Scheme 2023. Collection method: clinical testing. Allele origin: germline.
Comment: The p.F204L variant (also known as c.610T>C), located in coding exon 3 of the CASR gene, results from a T to C substitution at nucleotide position 610. The phenylalanine at codon 204 is replaced by leucine, an amino acid with highly similar properties. This amino acid position is highly conserved in available vertebrate species. In addition, this alteration is predicted to be deleterious by in silico analysis. Since supporting evidence is limited at this time, the clinical significance of this alteration remains unclear.

NM_000388.4(CASR):c.610T>C (p.Phe204Leu)

Gene: CASR (calcium sensing receptor; plus strand). Cytogenetic location: 3q21.1.
Variant type: single nucleotide variant.
Coding change: c.610T>C on transcript NM_000388.4 (MANE Select); coding-DNA position 610, T replaced by C.
Protein change: p.Phe204Leu; replaces phenylalanine 204 with leucine.
Molecular consequence: missense variant.
Genome position (GRCh38, 1-based): chr3:122,261,645, T>C. VCF-style: chr3-122261645-T-C. GRCh37 (hg19) VCF-style: chr3-121980492-T-C.
Other names: c.610T>C, p.Phe204Leu (NM_001178065.2); short protein forms F204L.
Identifiers: ClinVar variation 572669 (VCV000572669.10), dbSNP rs1060499700, ClinGen allele CA354150960.